The following is an entry in ClinVar:

ClinVar aggregate classification (germline): Uncertain significance (1 of 4 stars; one submission).

Submission:

Labcorp Genetics (formerly Invitae), Labcorp
Classification: Uncertain significance. Last evaluated: 2023-10-23. Review status: criteria provided, single submitter. Criteria: Invitae Variant Classification Sherloc (09022015). Collection method: clinical testing. Allele origin: germline.
Comment: This variant is a gross deletion of the genomic region encompassing exon(s) 5 of the RALA gene, which includes the termination codon. This deletion extends beyond the assayed region for this gene and therefore may encompass additional genes. While this deletion is not anticipated to lead to nonsense mediated decay, it is expected to alter mRNA translation or result in a truncated protein product. This variant has not been reported in the literature in individuals affected with RALA-related conditions. Experimental studies and prediction algorithms are not available or were not evaluated, and the functional significance of this variant is currently unknown. In summary, the available evidence is currently insufficient to determine the role of this variant in disease. Therefore, it has been classified as a Variant of Uncertain Significance.

NC_000007.13:g.(?_39745702)_(39745844_?)del

Gene: RALA (RAS like proto-oncogene A; plus strand). Cytogenetic location: 7p14.1.
Variant type: Deletion.
Identifiers: ClinVar variation 2425347 (VCV002425347.4).